The following is an entry in ClinVar:

ClinVar aggregate classification (germline): Uncertain significance (1 of 4 stars; one submission).

Submission:

GeneDx
Classification: Uncertain significance. Last evaluated: 2023-11-03. Review status: criteria provided, single submitter. Criteria: GeneDx Variant Classification Process June 2021. Collection method: clinical testing. Allele origin: germline. Affected: yes.
Comment: Not observed at significant frequency in large population cohorts (gnomAD); In silico analysis supports that this missense variant does not alter protein structure/function; Has not been previously published as pathogenic or benign to our knowledge

NM_012154.5(AGO2):c.781G>C (p.Glu261Gln)

Gene: AGO2 (argonaute RISC catalytic component 2; minus strand). Cytogenetic location: 8q24.3.
Variant type: single nucleotide variant.
Coding change: c.781G>C on transcript NM_012154.5 (MANE Select); coding-DNA position 781, G replaced by C.
Protein change: p.Glu261Gln; replaces glutamic acid 261 with glutamine.
Molecular consequence: missense variant.
Genome position (GRCh38, 1-based): chr8:140,559,404, C>G on the plus strand (G>C on the coding strand, the complement: AGO2 is on the minus strand). VCF-style: chr8-140559404-C-G. GRCh37 (hg19) VCF-style: chr8-141569503-C-G.
Other names: c.781G>C, p.Glu261Gln (NM_001164623.3); short protein forms E261Q.
Identifiers: ClinVar variation 3363689 (VCV003363689.1).